The following is an entry in ClinVar:

ClinVar aggregate classification (germline): Conflicting classifications of pathogenicity. Review status: criteria provided, conflicting classifications (1 of 4 stars). 2 submissions from 2 submitters: Likely pathogenic (1); Uncertain significance (1). Last evaluated 2025-04-01.

Submissions (2):

CeGaT Center for Human Genetics Tuebingen
Classification: Likely pathogenic. Last evaluated: 2025-04-01. Review status: criteria provided, single submitter. Criteria: CeGaT Center For Human Genetics Tuebingen Variant Classification Criteria Version 2. Collection method: clinical testing. Allele origin: germline. Affected: yes. Observed: 1 variant allele.
Comment: PKD1: PM2, PM5, PM6:Supporting, PS4:Supporting

GeneDx
Classification: Uncertain significance. Last evaluated: 2024-08-19. Review status: criteria provided, single submitter. Criteria: GeneDx Variant Classification Process June 2021. Collection method: clinical testing. Allele origin: germline. Affected: yes.
Comment: Not observed at significant frequency in large population cohorts (gnomAD); In silico analysis supports that this missense variant has a deleterious effect on protein structure/function; This variant is associated with the following publications: (PMID: 32398770, 37667185)

NM_001009944.3(PKD1):c.11526G>C (p.Trp3842Cys)

Genes: PKD1 (polycystin 1, transient receptor potential channel interacting; minus strand), PKD1-AS1 (PKD1 antisense RNA 1; plus strand). Cytogenetic location: 16p13.3.
Variant type: single nucleotide variant.
Coding change: c.11526G>C on transcript NM_001009944.3 (MANE Select); coding-DNA position 11526, G replaced by C.
Protein change: p.Trp3842Cys; replaces tryptophan 3842 with cysteine.
Molecular consequence: missense variant.
Genome position (GRCh38, 1-based): chr16:2,091,792, C>G on the plus strand (G>C on the coding strand, the complement: PKD1 is on the minus strand). VCF-style: chr16-2091792-C-G. GRCh37 (hg19) VCF-style: chr16-2141793-C-G.
Other names: c.11523G>C, p.Trp3841Cys (NM_000296.4); short protein forms W3841C, W3842C.
Identifiers: ClinVar variation 3764181 (VCV003764181.8).